The following is an entry in ClinVar:

ClinVar aggregate classification (germline): Uncertain significance (1 of 4 stars; one submission).

Submission:

Labcorp Genetics (formerly Invitae), Labcorp
Classification: Uncertain significance. Last evaluated: 2023-01-12. Review status: criteria provided, single submitter. Criteria: Invitae Variant Classification Sherloc (09022015). Collection method: clinical testing. Allele origin: germline.
Comment: This variant is present in population databases (no rsID available, gnomAD 0.01%). Experimental studies and prediction algorithms are not available or were not evaluated, and the functional significance of this variant is currently unknown. This sequence change results in a frameshift in the TPRKB gene (p.Lys150Ilefs*60). While this is not anticipated to result in nonsense mediated decay, it is expected to disrupt the last 26 amino acid(s) of the TPRKB protein and extend the protein by 33 additional amino acid residues. In summary, the available evidence is currently insufficient to determine the role of this variant in disease. Therefore, it has been classified as a Variant of Uncertain Significance. This variant has not been reported in the literature in individuals affected with TPRKB-related conditions.

NM_016058.5(TPRKB):c.447_448dup (p.Lys150fs)

Gene: TPRKB (TP53RK binding protein; minus strand). Cytogenetic location: 2p13.1.
Variant type: Microsatellite.
Coding change: c.447_448dup on transcript NM_016058.5 (MANE Select); coding-DNA positions 447 to 448, 2 bases duplicated (TA; older notation c.447_448dupTA).
Protein change: p.Lys150fs; shifts the reading frame from lysine 150.
Molecular consequence: frameshift variant.
Genome position (GRCh38, 1-based): chr2:73,730,023-73,730,024, TA duplicated on the plus strand (TA on the coding strand, the reverse complement: TPRKB is on the minus strand); duplicating any 2 consecutive bases within chr2:73,730,023-73,730,029 gives the same sequence; the c. name uses the placement nearest the transcript's 3' end. VCF-style (leftmost placement, unchanged base first): chr2-73730022-T-TTA. GRCh37 (hg19) VCF-style: chr2-73957149-T-TTA.
Other names: c.564_565dup, p.Lys189fs (NM_001330386.2, NM_001330387.2); c.447_448dup, p.Lys150fs (NM_001330388.2, NM_001330389.2); c.393_394dup, p.Lys132fs (NM_001330390.2); c.348_349dup, p.Lys117fs (NM_001330391.2, NM_001330392.2); short protein forms K132fs, K189fs, K117fs, K150fs.
Identifiers: ClinVar variation 2792633 (VCV002792633.3), dbSNP rs1558755958, ClinGen allele CA533678076.